The following is an entry in ClinVar:

ClinVar aggregate classification (germline): Uncertain significance. Review status: criteria provided, multiple submitters, no conflicts (2 of 4 stars). 3 submissions from 3 submitters: Uncertain significance (3). Last evaluated 2025-12-29.

Conditions:
Endometrial carcinoma. Also called: Endometrial carcinoma, somatic. Identifiers: MedGen C0476089, MONDO:0002447, OMIM 608089, HP:0012114.
Hereditary cancer-predisposing syndrome. Also called: Tumor predisposition; Hereditary neoplastic syndrome; Neoplastic Syndromes, Hereditary; Hereditary Cancer Syndrome. Identifiers: Orphanet 140162, MedGen C0027672, MeSH D009386, MONDO:0015356.

Allele frequency attached by ClinVar (database versions not stated): ExAC 0.00001; gnomAD exomes 0.00001 and 0.00002; gnomAD 0.00002; TOPMed 0.00002.

Submissions (3):

Labcorp Genetics (formerly Invitae), Labcorp
Classification: Uncertain significance. Last evaluated: 2025-12-29. Review status: criteria provided, single submitter. Criteria: Invitae Variant Classification Sherloc (09022015). Collection method: clinical testing. Allele origin: germline.
Comment: This sequence change replaces serine, which is neutral and polar, with leucine, which is neutral and non-polar, at codon 430 of the MSH3 protein (p.Ser430Leu). This variant is present in population databases (rs773030280, gnomAD 0.003%). This variant has not been reported in the literature in individuals affected with MSH3-related conditions. ClinVar contains an entry for this variant (Variation ID: 845869). An algorithm developed to predict the effect of missense changes on protein structure and function (PolyPhen-2) suggests that this variant is likely to be tolerated. In summary, the available evidence is currently insufficient to determine the role of this variant in disease. Therefore, it has been classified as a Variant of Uncertain Significance.

Ambry Genetics
Classification: Uncertain significance for Hereditary cancer-predisposing syndrome. Last evaluated: 2023-12-29. Review status: criteria provided, single submitter. Criteria: Ambry Variant Classification Scheme 2023. Collection method: clinical testing. Allele origin: germline.
Comment: The p.S430L variant (also known as c.1289C>T), located in coding exon 8 of the MSH3 gene, results from a C to T substitution at nucleotide position 1289. The serine at codon 430 is replaced by leucine, an amino acid with dissimilar properties. This amino acid position is well conserved in available vertebrate species. In addition, this alteration is predicted to be tolerated by in silico analysis. Since supporting evidence is limited at this time, the clinical significance of this alteration remains unclear.

Baylor Genetics
Classification: Uncertain significance for Endometrial carcinoma. Last evaluated: 2023-06-19. Review status: criteria provided, single submitter. Criteria: ACMG Guidelines, 2015. Collection method: clinical testing. Allele origin: unknown.

NM_002439.5(MSH3):c.1289C>T (p.Ser430Leu)

Gene: MSH3 (mutS homolog 3; plus strand). Cytogenetic location: 5q14.1.
Variant type: single nucleotide variant.
Coding change: c.1289C>T on transcript NM_002439.5 (MANE Select); coding-DNA position 1289, C replaced by T.
Protein change: p.Ser430Leu; replaces serine 430 with leucine.
Molecular consequence: missense variant.
Genome position (GRCh38, 1-based): chr5:80,679,042, C>T. VCF-style: chr5-80679042-C-T. GRCh37 (hg19) VCF-style: chr5-79974861-C-T.
Other names: short protein forms S430L.
Identifiers: ClinVar variation 845869 (VCV000845869.13), dbSNP rs773030280, ClinGen allele CA3327849.